The following is an entry in ClinVar:

NM_002693.3(POLG):c.2633dup (p.Gln879fs)

Gene: POLG (DNA polymerase gamma, catalytic subunit; minus strand). Cytogenetic location: 15q26.1.
Variant type: Duplication.
Coding change: c.2633dup on transcript NM_002693.3 (MANE Select); coding-DNA position 2633, one base duplicated (T; older notation c.2633dupT).
Protein change: p.Gln879fs; shifts the reading frame from glutamine 879.
Molecular consequence: frameshift variant.
Genome position (GRCh38, 1-based): chr15:89,321,226, A duplicated on the plus strand (T on the coding strand, the reverse complement: POLG is on the minus strand). VCF-style (leftmost placement, unchanged base first): chr15-89321225-C-CA. GRCh37 (hg19) VCF-style: chr15-89864456-C-CA.
Other names: c.2633dup, p.Gln879fs (NM_001126131.2); short protein forms Q879fs.
Identifiers: ClinVar variation 5014175 (VCV005014175.1).

ClinVar aggregate classification (germline): Pathogenic (1 of 4 stars; one submission).

Conditions:
POLG-related disorder. Also called: POLG-Related Spectrum Disorders; POLG-related condition; POLG-Related Disorders. Identifiers: MedGen C4763519.

Submission:

Myriad Genetics, Inc.
Classification: Pathogenic for POLG-related disorder. Last evaluated: 2025-03-04. Review status: criteria provided, single submitter. Criteria: Myriad Autosomal Dominant, Autosomal Recessive and X-Linked Classification Criteria (2023). Collection method: clinical testing. Allele origin: unknown.
Comment: NM_002693.2(POLG):c.2633dupT(Q879Afs*12) is expected to be pathogenic in the context of POLG-related disorders. This variant is predicted to lead to an abnormal or absent protein product due to the creation of a premature termination codon in POLG, a gene where loss-of-function variants are known to be pathogenic. Please note: this variant was assessed in the context of healthy population screening.